The following is an entry in ClinVar:

NM_006445.4(PRPF8):c.6066G>A (p.Gln2022=)

Gene: PRPF8 (pre-mRNA processing factor 8; minus strand). Cytogenetic location: 17p13.3.
Variant type: single nucleotide variant.
Coding change: c.6066G>A on transcript NM_006445.4 (MANE Select); coding-DNA position 6066, G replaced by A.
Protein change: p.Gln2022=; no amino-acid change (glutamine 2022 retained).
Molecular consequence: synonymous variant.
Genome position (GRCh38, 1-based): chr17:1,653,938, C>T on the plus strand (G>A on the coding strand, the complement: PRPF8 is on the minus strand). VCF-style: chr17-1653938-C-T. GRCh37 (hg19) VCF-style: chr17-1557232-C-T.
Identifiers: ClinVar variation 1711422 (VCV001711422.30), dbSNP rs2543717684, ClinGen allele CA497390353.

ClinVar aggregate classification (germline): Uncertain significance (1 of 4 stars; one submission).

Allele frequency attached by ClinVar (database versions not stated): gnomAD exomes below 0.00001.
gnomAD v4.1: 2 of 1,612,876 alleles (0.00012%); highest among the groups gnomAD compares: Non-Finnish European, 0.00017%; no homozygotes.

Submission:

CeGaT Center for Human Genetics Tuebingen
Classification: Uncertain significance. Last evaluated: 2022-08-01. Review status: criteria provided, single submitter. Criteria: CeGaT Center For Human Genetics Tuebingen Variant Classification Criteria Version 2. Collection method: clinical testing. Allele origin: germline. Affected: yes. Observed: 1 variant allele.
Comment: PRPF8: PM2:Supporting, BP4